The following is an entry in ClinVar:

ClinVar aggregate classification (germline): Uncertain significance. Review status: criteria provided, multiple submitters, no conflicts (2 of 4 stars). 2 submissions from 2 submitters: Uncertain significance (2). Last evaluated 2026-02-05.

Conditions:
Hereditary cancer-predisposing syndrome. Also called: Neoplastic Syndromes, Hereditary; Tumor predisposition; Hereditary Cancer Syndrome; Hereditary neoplastic syndrome. Identifiers: Orphanet 140162, MedGen C0027672, MeSH D009386, MONDO:0015356.
Neuroblastoma, susceptibility to, 3. Also called: ALK-Related Neuroblastic Tumor Susceptibility. Identifiers: Orphanet 635, MedGen C2751681, MONDO:0013083, OMIM 613014.

gnomAD v4.1: 1 of 1,614,210 alleles (0.000062%); highest among the groups gnomAD compares: Non-Finnish European, 0.000085%; no homozygotes.

Submissions (2):

Ambry Genetics
Classification: Uncertain significance for Hereditary cancer-predisposing syndrome. Last evaluated: 2026-02-05. Review status: criteria provided, single submitter. Criteria: Ambry Variant Classification Scheme 2023. Collection method: clinical testing. Allele origin: germline.
Comment: The p.G199D variant (also known as c.596G>A), located in coding exon 1 of the ALK gene, results from a G to A substitution at nucleotide position 596. The glycine at codon 199 is replaced by aspartic acid, an amino acid with similar properties. This amino acid position is highly conserved in available vertebrate species. In addition, this alteration is predicted to be deleterious by in silico analysis. Based on the available evidence, the clinical significance of this variant remains unclear.

Labcorp Genetics (formerly Invitae), Labcorp
Classification: Uncertain significance for Neuroblastoma, susceptibility to, 3. Last evaluated: 2023-08-16. Review status: criteria provided, single submitter. Criteria: Invitae Variant Classification Sherloc (09022015). Collection method: clinical testing. Allele origin: germline.
Comment: An algorithm developed to predict the effect of missense changes on protein structure and function (PolyPhen-2) suggests that this variant is likely to be disruptive. ClinVar contains an entry for this variant (Variation ID: 1494783). This variant has not been reported in the literature in individuals affected with ALK-related conditions. This variant is not present in population databases (gnomAD no frequency). This sequence change replaces glycine, which is neutral and non-polar, with aspartic acid, which is acidic and polar, at codon 199 of the ALK protein (p.Gly199Asp). In summary, the available evidence is currently insufficient to determine the role of this variant in disease. Therefore, it has been classified as a Variant of Uncertain Significance.

NM_004304.5(ALK):c.596G>A (p.Gly199Asp)

Gene: ALK (ALK receptor tyrosine kinase; minus strand). Cytogenetic location: 2p23.1.
Variant type: single nucleotide variant.
Coding change: c.596G>A on transcript NM_004304.5 (MANE Select); coding-DNA position 596, G replaced by A.
Protein change: p.Gly199Asp; replaces glycine 199 with aspartic acid.
Molecular consequence: missense variant.
Genome position (GRCh38, 1-based): chr2:29,920,064, C>T on the plus strand (G>A on the coding strand, the complement: ALK is on the minus strand). VCF-style: chr2-29920064-C-T. GRCh37 (hg19) VCF-style: chr2-30142930-C-T.
Other names: c.596G>A (NM_004304.4); short protein forms G199D.
Identifiers: ClinVar variation 1494783 (VCV001494783.9), dbSNP rs1292996434, ClinGen allele CA346589721.